The following is an entry in ClinVar:

NM_177438.3(DICER1):c.2846A>G (p.Asp949Gly)

Gene: DICER1 (dicer 1, ribonuclease III; minus strand). Cytogenetic location: 14q32.13.
Variant type: single nucleotide variant.
Coding change: c.2846A>G on transcript NM_177438.3 (MANE Select); coding-DNA position 2846, A replaced by G.
Protein change: p.Asp949Gly; replaces aspartic acid 949 with glycine.
Molecular consequence: missense variant.
Genome position (GRCh38, 1-based): chr14:95,106,182, T>C on the plus strand (A>G on the coding strand, the complement: DICER1 is on the minus strand). VCF-style: chr14-95106182-T-C. GRCh37 (hg19) VCF-style: chr14-95572519-T-C.
Other names: c.2846A>G, p.Asp949Gly (NM_001195573.1, NM_001271282.3, NM_001291628.2 and 1 more transcripts); short protein forms D949G.
Identifiers: ClinVar variation 821893 (VCV000821893.15), dbSNP rs1595374234, ClinGen allele CA390879184.

ClinVar aggregate classification (germline): Uncertain significance. Review status: criteria provided, multiple submitters, no conflicts (2 of 4 stars). 2 submissions from 2 submitters: Uncertain significance (2). Last evaluated 2023-05-15.

Conditions:
DICER1-related tumor predisposition. Also called: DICER1-related pleuropulmonary blastoma cancer predisposition syndrome; DICER1 syndrome. Identifiers: Orphanet 284343, MedGen C3839822, MONDO:0100216.
Hereditary cancer-predisposing syndrome. Also called: Hereditary Cancer Syndrome; Neoplastic Syndromes, Hereditary; Hereditary neoplastic syndrome; Tumor predisposition. Identifiers: Orphanet 140162, MedGen C0027672, MeSH D009386, MONDO:0015356.

Allele frequency attached by ClinVar (database versions not stated): gnomAD exomes below 0.00001.
gnomAD v4.1: 1 of 1,614,134 alleles (0.000062%); highest among the groups gnomAD compares: South Asian, 0.0011%; no homozygotes.

Submissions (2):

Labcorp Genetics (formerly Invitae), Labcorp
Classification: Uncertain significance for DICER1-related tumor predisposition. Last evaluated: 2023-05-15. Review status: criteria provided, single submitter. Criteria: Invitae Variant Classification Sherloc (09022015). Collection method: clinical testing. Allele origin: germline.
Comment: In summary, the available evidence is currently insufficient to determine the role of this variant in disease. Therefore, it has been classified as a Variant of Uncertain Significance. Advanced modeling of protein sequence and biophysical properties (such as structural, functional, and spatial information, amino acid conservation, physicochemical variation, residue mobility, and thermodynamic stability) performed at Invitae indicates that this missense variant is not expected to disrupt DICER1 protein function. ClinVar contains an entry for this variant (Variation ID: 821893). This variant has not been reported in the literature in individuals affected with DICER1-related conditions. This variant is not present in population databases (gnomAD no frequency). This sequence change replaces aspartic acid, which is acidic and polar, with glycine, which is neutral and non-polar, at codon 949 of the DICER1 protein (p.Asp949Gly).

Ambry Genetics
Classification: Uncertain significance for Hereditary cancer-predisposing syndrome. Last evaluated: 2018-12-20. Review status: criteria provided, single submitter. Criteria: Ambry Variant Classification Scheme 2023. Collection method: clinical testing. Allele origin: germline.
Comment: The p.D949G variant (also known as c.2846A>G), located in coding exon 17 of the DICER1 gene, results from an A to G substitution at nucleotide position 2846. The aspartic acid at codon 949 is replaced by glycine, an amino acid with similar properties. This amino acid position is highly conserved in available vertebrate species. In addition, the in silico prediction for this alteration is inconclusive. Since supporting evidence is limited at this time, the clinical significance of this alteration remains unclear.